The following is an entry in ClinVar:

ClinVar aggregate classification (germline): Uncertain significance. Review status: criteria provided, multiple submitters, no conflicts (2 of 4 stars). 2 submissions from 2 submitters: Uncertain significance (2). Last evaluated 2025-08-12.

gnomAD v4.1: 109 of 1,605,824 alleles (0.0068%); highest among the groups gnomAD compares: Admixed American, 0.063%; no homozygotes.

Submissions (2):

Ambry Genetics
Classification: Uncertain significance. Last evaluated: 2025-08-12. Review status: criteria provided, single submitter. Criteria: Ambry Variant Classification Scheme 2023. Collection method: clinical testing. Allele origin: germline.

GeneDx
Classification: Uncertain significance. Last evaluated: 2022-03-08. Review status: criteria provided, single submitter. Criteria: GeneDx Variant Classification Process June 2021. Collection method: clinical testing. Allele origin: germline. Affected: yes.
Comment: In silico analysis supports that this missense variant has a deleterious effect on protein structure/function; In silico analysis, which includes splice predictors and evolutionary conservation, suggests this variant may impact gene splicing. In the absence of RNA/functional studies, the actual effect of this sequence change is unknown.; Has not been previously published as pathogenic or benign to our knowledge; Variants in candidate genes are classified as variants of uncertain significance in accordance with ACMG guidelines (Richards et al., 2015)

NM_018897.3(DNAH7):c.8599G>T (p.Asp2867Tyr)

Gene: DNAH7 (dynein axonemal heavy chain 7; minus strand). Cytogenetic location: 2q32.3.
Variant type: single nucleotide variant.
Coding change: c.8599G>T on transcript NM_018897.3 (MANE Select); coding-DNA position 8599, G replaced by T.
Protein change: p.Asp2867Tyr; replaces aspartic acid 2867 with tyrosine.
Molecular consequence: missense variant.
Genome position (GRCh38, 1-based): chr2:195,853,525, C>A on the plus strand (G>T on the coding strand, the complement: DNAH7 is on the minus strand). VCF-style: chr2-195853525-C-A. GRCh37 (hg19) VCF-style: chr2-196718249-C-A.
Other names: short protein forms D2867Y.
Identifiers: ClinVar variation 3342446 (VCV003342446.2).